The following is an entry in ClinVar:

ClinVar aggregate classification (germline): Uncertain significance (1 of 4 stars; one submission).

Allele frequency attached by ClinVar (database versions not stated): gnomAD exomes below 0.00001.
gnomAD v4.1: 1 of 1,613,664 alleles (0.000062%); highest among the groups gnomAD compares: Middle Eastern, 0.016%; no homozygotes.

Submission:

GeneDx
Classification: Uncertain significance. Last evaluated: 2023-04-30. Review status: criteria provided, single submitter. Criteria: GeneDx Variant Classification Process June 2021. Collection method: clinical testing. Allele origin: germline. Affected: yes.
Comment: Not observed at significant frequency in large population cohorts (gnomAD); In silico analysis supports that this missense variant does not alter protein structure/function; Has not been previously published as pathogenic or benign to our knowledge

NM_001260.3(CDK8):c.1301C>T (p.Pro434Leu)

Gene: CDK8 (cyclin dependent kinase 8; plus strand). Cytogenetic location: 13q12.13.
Variant type: single nucleotide variant.
Coding change: c.1301C>T on transcript NM_001260.3 (MANE Select); coding-DNA position 1301, C replaced by T.
Protein change: p.Pro434Leu; replaces proline 434 with leucine.
Molecular consequence: missense variant.
Genome position (GRCh38, 1-based): chr13:26,403,987, C>T. VCF-style: chr13-26403987-C-T. GRCh37 (hg19) VCF-style: chr13-26978124-C-T.
Other names: c.1298C>T, p.Pro433Leu (NM_001318368.2); c.782C>T, p.Pro261Leu (NM_001346501.2); short protein forms P261L, P433L, P434L.
Identifiers: ClinVar variation 2662895 (VCV002662895.1), dbSNP rs2542452828, ClinGen allele CA387686577.